The following is an entry in ClinVar:

ClinVar aggregate classification (germline): Benign/Likely benign. Review status: criteria provided, multiple submitters, no conflicts (2 of 4 stars). 4 submissions from 4 submitters: Benign (1); Likely benign (3). Last evaluated 2025-04-08.

Conditions:
Tuberous sclerosis 1 (TSC1). Identifiers: Orphanet 805, MedGen C1854465, MONDO:0008612, OMIM 191100.
Hereditary cancer-predisposing syndrome. Also called: Hereditary neoplastic syndrome; Tumor predisposition; Neoplastic Syndromes, Hereditary; Hereditary Cancer Syndrome. Identifiers: Orphanet 140162, MedGen C0027672, MeSH D009386, MONDO:0015356.

Submissions (4):

Myriad Genetics, Inc.
Classification: Benign for Tuberous sclerosis 1. Last evaluated: 2025-04-08. Review status: criteria provided, single submitter. Criteria: Myriad Autosomal Dominant, Autosomal Recessive and X-Linked Classification Criteria (2023). Collection method: clinical testing. Allele origin: unknown.
Comment: This variant is considered benign. This variant is a silent/synonymous amino acid change and it is not expected to impact splicing.

Labcorp Genetics (formerly Invitae), Labcorp
Classification: Likely benign for Tuberous sclerosis 1. Last evaluated: 2025-02-19. Review status: criteria provided, single submitter. Criteria: Invitae Variant Classification Sherloc (09022015). Collection method: clinical testing. Allele origin: germline.

Women's Health and Genetics/Laboratory Corporation of America, LabCorp
Classification: Likely benign. Last evaluated: 2022-02-02. Review status: criteria provided, single submitter. Criteria: LabCorp Variant Classification Summary - May 2015. Collection method: clinical testing. Allele origin: germline.
Comment: Variant summary: TSC1 c.558A>G alters a non-conserved nucleotide resulting in a synonymous change. 4/4 computational tools predict no significant impact on normal splicing. However, these predictions have yet to be confirmed by functional studies. The variant was absent in 251380 control chromosomes (gnomAD). The available data on variant occurrences in the general population are insufficient to allow any conclusion about variant significance. To our knowledge, no occurrence of c.558A>G in individuals affected with Tuberous Sclerosis Complex and no experimental evidence demonstrating its impact on protein function have been reported. One clinical diagnostic laboratories have submitted clinical-significance assessments for this variant to ClinVar after 2014 and classified the variant as likely benign. Based on the evidence outlined above, the variant was classified as likely benign.

Ambry Genetics
Classification: Likely benign for Hereditary cancer-predisposing syndrome. Last evaluated: 2021-10-11. Review status: criteria provided, single submitter. Criteria: Ambry Variant Classification Scheme 2023. Collection method: clinical testing. Allele origin: germline.

NM_000368.5(TSC1):c.558A>G (p.Ala186=)

Gene: TSC1 (TSC complex subunit 1; minus strand). Cytogenetic location: 9q34.13.
Variant type: single nucleotide variant.
Coding change: c.558A>G on transcript NM_000368.5 (MANE Select); coding-DNA position 558, A replaced by G.
Protein change: p.Ala186=; no amino-acid change (alanine 186 retained).
Molecular consequence: synonymous variant.
Genome position (GRCh38, 1-based): chr9:132,921,924, T>C on the plus strand (A>G on the coding strand, the complement: TSC1 is on the minus strand). VCF-style: chr9-132921924-T-C. GRCh37 (hg19) VCF-style: chr9-135797311-T-C.
Other names: c.558A>G, p.Ala186= (NM_001162426.2); c.405A>G, p.Ala135= (NM_001162427.2); c.195A>G, p.Ala65= (NM_001362177.2).
Identifiers: ClinVar variation 1147239 (VCV001147239.13), dbSNP rs2132158268, ClinGen allele CA467593817.